The following is an entry in ClinVar:

ClinVar aggregate classification (germline): Uncertain significance (1 of 4 stars; one submission).

Conditions:
Hereditary cancer-predisposing syndrome. Also called: Neoplastic Syndromes, Hereditary; Tumor predisposition; Hereditary Cancer Syndrome; Hereditary neoplastic syndrome. Identifiers: Orphanet 140162, MedGen C0027672, MeSH D009386, MONDO:0015356.

Submission:

Ambry Genetics
Classification: Uncertain significance for Hereditary cancer-predisposing syndrome. Last evaluated: 2025-11-29. Review status: criteria provided, single submitter. Criteria: Ambry Variant Classification Scheme 2023. Collection method: clinical testing. Allele origin: germline.
Comment: The p.A91G variant (also known as c.272C>G), located in coding exon 1 of the CHEK2 gene, results from a C to G substitution at nucleotide position 272. The alanine at codon 91 is replaced by glycine, an amino acid with similar properties. This amino acid position is conserved. In addition, the in silico prediction for this alteration is inconclusive. Based on the available evidence, the clinical significance of this variant remains unclear.

NM_007194.4(CHEK2):c.272C>G (p.Ala91Gly)

Gene: CHEK2 (checkpoint kinase 2; minus strand). Cytogenetic location: 22q12.1.
Variant type: single nucleotide variant.
Coding change: c.272C>G on transcript NM_007194.4 (MANE Select); coding-DNA position 272, C replaced by G.
Protein change: p.Ala91Gly; replaces alanine 91 with glycine.
Molecular consequence: missense variant. On other transcripts: 5 prime UTR variant (1), intron variant (1).
Genome position (GRCh38, 1-based): chr22:28,734,450, G>C on the plus strand (C>G on the coding strand, the complement: CHEK2 is on the minus strand). VCF-style: chr22-28734450-G-C. GRCh37 (hg19) VCF-style: chr22-29130438-G-C.
Other names: c.272C>G, p.Ala91Gly (NM_001005735.3, NM_001349956.3, NM_001438293.1 and 3 more transcripts); c.-506C>G (NM_001257387.3); c.-345+7319C>G (NM_001437942.1); short protein forms A91G.
Identifiers: ClinVar variation 4634998 (VCV004634998.1).